The following is an entry in ClinVar:

ClinVar aggregate classification (germline): Conflicting classifications of pathogenicity. Review status: criteria provided, conflicting classifications (1 of 4 stars). 2 submissions from 2 submitters: Uncertain significance (1); Likely benign (1). Last evaluated 2024-05-14.

Conditions:
Multiple gastrointestinal atresias. Also called: FAMILIAL INTESTINAL POLYATRESIA SYNDROME; Multiple intestinal atresia. Identifiers: Orphanet 2300, MedGen C0220744, MONDO:0009465.
Inborn genetic diseases. Identifiers: MedGen C0950123, MeSH D030342.

Allele frequency attached by ClinVar (database versions not stated): gnomAD exomes 0.00002 and 0.00005; ExAC 0.00004; ESP Exome Variant Server 0.00008; gnomAD 0.00036 and 0.00039; 1000 Genomes Project 0.00080; TOPMed 0.00081; 1000 Genomes Project 30x 0.00109.
gnomAD v4.1: 103 of 1,611,974 alleles (0.0064%); highest among the groups gnomAD compares: Admixed American, 0.12%; no homozygotes.

Submissions (2):

Ambry Genetics
Classification: Likely benign for Inborn genetic diseases. Last evaluated: 2024-05-14. Review status: criteria provided, single submitter. Criteria: Ambry Variant Classification Scheme 2023. Collection method: clinical testing. Allele origin: germline.

Labcorp Genetics (formerly Invitae), Labcorp
Classification: Uncertain significance for Multiple gastrointestinal atresias. Last evaluated: 2022-09-27. Review status: criteria provided, single submitter. Criteria: Invitae Variant Classification Sherloc (09022015). Collection method: clinical testing. Allele origin: germline.
Comment: This sequence change replaces methionine, which is neutral and non-polar, with valine, which is neutral and non-polar, at codon 694 of the TTC7A protein (p.Met694Val). This variant is present in population databases (rs143506259, gnomAD 0.02%). This variant has not been reported in the literature in individuals affected with TTC7A-related conditions. ClinVar contains an entry for this variant (Variation ID: 852155). Advanced modeling of protein sequence and biophysical properties (such as structural, functional, and spatial information, amino acid conservation, physicochemical variation, residue mobility, and thermodynamic stability) performed at Invitae indicates that this missense variant is not expected to disrupt TTC7A protein function. In summary, the available evidence is currently insufficient to determine the role of this variant in disease. Therefore, it has been classified as a Variant of Uncertain Significance.

NM_020458.4(TTC7A):c.2080A>G (p.Met694Val)

Gene: TTC7A (tetratricopeptide repeat domain 7A; plus strand). Cytogenetic location: 2p21.
Variant type: single nucleotide variant.
Coding change: c.2080A>G on transcript NM_020458.4 (MANE Select); coding-DNA position 2080, A replaced by G.
Protein change: p.Met694Val; replaces methionine 694 with valine.
Molecular consequence: missense variant.
Genome position (GRCh38, 1-based): chr2:47,051,808, A>G. VCF-style: chr2-47051808-A-G. GRCh37 (hg19) VCF-style: chr2-47278947-A-G.
Other names: c.2152A>G, p.Met718Val (NM_001288951.2); c.1978A>G, p.Met660Val (NM_001288953.2); c.1018A>G, p.Met340Val (NM_001288955.2); c.2080A>G (NM_020458.2); short protein forms M660V, M718V, M340V, M694V.
Identifiers: ClinVar variation 852155 (VCV000852155.6), dbSNP rs143506259, ClinGen allele CA1648003.